The following is an entry in ClinVar:

ClinVar aggregate classification (germline): Pathogenic. Review status: reviewed by expert panel (3 of 4 stars). 6 submissions from 6 submitters: Pathogenic (1). 5 of the submissions do not count toward it. Last evaluated 2016-10-18.

Conditions:
Hereditary cancer-predisposing syndrome. Also called: Hereditary neoplastic syndrome; Neoplastic Syndromes, Hereditary; Tumor predisposition; Hereditary Cancer Syndrome. Identifiers: Orphanet 140162, MedGen C0027672, MeSH D009386, MONDO:0015356.
Breast-ovarian cancer, familial, susceptibility to, 2 (BROVCA2). Also called: BRCA2 Hereditary Breast and Ovarian Cancer. Identifiers: Orphanet 145, MedGen C2675520, MONDO:0012933, OMIM 612555. Disease mechanism: loss of function.
Hereditary breast ovarian cancer syndrome. Also called: BRCA1- and BRCA2-Associated Hereditary Breast and Ovarian Cancer; Hereditary breast and ovarian cancer; Breast and ovarian cancer; Hereditary breast and/or ovarian cancer syndrome; Hereditary breast and ovarian cancer syndrome; Hereditary breast and ovarian cancer syndrome (HBOC). Identifiers: Orphanet 145, MedGen C0677776, MeSH D061325, MONDO:0003582. Disease mechanism: loss of function.

Allele frequency attached by ClinVar (database versions not stated): TOPMed below 0.00001.

Submissions (6):

Evidence-based Network for the Interpretation of Germline Mutant Alleles (ENIGMA)
Classification: Pathogenic for Breast-ovarian cancer, familial, susceptibility to, 2. Last evaluated: 2016-10-18. Review status: reviewed by expert panel. Criteria: ENIGMA BRCA1/2 Classification Criteria (2015). Collection method: curation. Allele origin: germline.
Comment: Variant allele predicted to encode a truncated non-functional protein.

GeneKor MSA
Classification: Pathogenic for Hereditary breast ovarian cancer syndrome. Last evaluated: 2025-06-17. Review status: criteria provided, single submitter. Criteria: ACMG Guidelines, 2015. Collection method: clinical testing. Allele origin: germline. Affected: yes. Not counted in ClinVar's aggregate classification.
Comment: This variant is a duplication of A at nucleotide position 6580 in exon 11 of the BRCA2 mRNA c.(c.6580dupA), causing a frameshift after codon 2194 and the creation of a premature translation stop signal 3 amino acid residues later p.(Ile2194fs*3). This is expected to result in an absent or disrupted protein product. Loss-of-function variants in BRCA2 are known to be pathogenic (PMID:20104584). This variant is not present in population databases (rs886040668). ClinVar contains entries for this variant where is listed as pathogenic (VCV000266965.12). Based on the classification criteria set by the ACMG and AMP (PMID:25741868), this variant has been classified as pathogenic.

Labcorp Genetics (formerly Invitae), Labcorp
Classification: Pathogenic for Hereditary breast ovarian cancer syndrome. Last evaluated: 2023-09-23. Review status: criteria provided, single submitter. Criteria: Invitae Variant Classification Sherloc (09022015). Collection method: clinical testing. Allele origin: germline. Not counted in ClinVar's aggregate classification.
Comment: This sequence change creates a premature translational stop signal (p.Ile2194Asnfs*3) in the BRCA2 gene. It is expected to result in an absent or disrupted protein product. Loss-of-function variants in BRCA2 are known to be pathogenic (PMID: 20104584). This variant is not present in population databases (gnomAD no frequency). This premature translational stop signal has been observed in individual(s) with BRCA2-related conditions (PMID: 25066507). ClinVar contains an entry for this variant (Variation ID: 266965). For these reasons, this variant has been classified as Pathogenic.

Color Diagnostics, LLC DBA Color Health
Classification: Pathogenic for Hereditary cancer-predisposing syndrome. Last evaluated: 2023-01-23. Review status: criteria provided, single submitter. Criteria: ACMG Guidelines, 2015. Collection method: clinical testing. Allele origin: germline. Not counted in ClinVar's aggregate classification.
Comment: This variant inserts 1 nucleotide in exon 11 of the BRCA2 gene, creating a frameshift and premature translation stop signal. This variant is expected to result in an absent or non-functional protein product. This variant has been observed in at least one individual affected with breast cancer (PMID: 25066507). This variant has not been identified in the general population by the Genome Aggregation Database (gnomAD). Loss of BRCA2 function is a known mechanism of disease. Based on the available evidence, this variant is classified as Pathogenic.

Ambry Genetics
Classification: Pathogenic for Hereditary cancer-predisposing syndrome. Last evaluated: 2019-06-11. Review status: criteria provided, single submitter. Criteria: Ambry Variant Classification Scheme 2023. Collection method: clinical testing. Allele origin: germline. Not counted in ClinVar's aggregate classification.
Comment: The c.6580dupA pathogenic mutation, located in coding exon 10 of the BRCA2 gene, results from a duplication of A at nucleotide position 6580, causing a translational frameshift with a predicted alternate stop codon (p.I2194Nfs*3). In addition to the clinical data presented in the literature, this alteration is expected to result in loss of function by premature protein truncation or nonsense-mediated mRNA decay. As such, this alteration is interpreted as a disease-causing mutation.

Consortium of Investigators of Modifiers of BRCA1/2 (CIMBA), c/o University of Cambridge
Classification: Pathogenic for Breast-ovarian cancer, familial, susceptibility to, 2. Last evaluated: 2015-10-02. Review status: criteria provided, single submitter. Criteria: CIMBA Mutation Classification guidelines May 2016. Collection method: clinical testing. Allele origin: germline. Not counted in ClinVar's aggregate classification.

Literature cited by the submitters: PubMed 20104584 (cited by GeneKor MSA and Labcorp Genetics (formerly Invitae), Labcorp); PubMed 25066507 (cited by 3 submitters).

NM_000059.4(BRCA2):c.6580dup (p.Ile2194fs)

Gene: BRCA2 (BRCA2 DNA repair associated; plus strand). Cytogenetic location: 13q13.1.
Variant type: Duplication.
Coding change: c.6580dup on transcript NM_000059.4 (MANE Select); coding-DNA position 6580, one base duplicated (A; older notation c.6580dupA).
Protein change: p.Ile2194fs; shifts the reading frame from isoleucine 2194.
Molecular consequence: frameshift variant.
Genome position (GRCh38, 1-based): chr13:32,340,935, A duplicated; the last of 3 consecutive A bases (chr13:32,340,933-32,340,935); duplicating any one gives the same sequence. VCF-style (leftmost placement, unchanged base first): chr13-32340932-G-GA. GRCh37 (hg19) VCF-style: chr13-32915069-G-GA.
Other names: 6808insA; c.6580dupA (NM_000059.3); short protein forms I2194fs.
Identifiers: ClinVar variation 266965 (VCV000266965.14), dbSNP rs886040668, ClinGen allele CA10589394.